The following is an entry in ClinVar:

ClinVar aggregate classification (germline): Uncertain significance (1 of 4 stars; one submission).

gnomAD v4.1: 1 of 1,614,016 alleles (0.000062%); highest among the groups gnomAD compares: Non-Finnish European, 0.000085%; no homozygotes.

Submission:

GeneDx
Classification: Uncertain significance. Last evaluated: 2024-12-12. Review status: criteria provided, single submitter. Criteria: GeneDx Variant Classification Process June 2021. Collection method: clinical testing. Allele origin: germline. Affected: yes.
Comment: Not observed at significant frequency in large population cohorts (gnomAD); In silico analysis supports that this missense variant has a deleterious effect on protein structure/function; Has not been previously published as pathogenic or benign to our knowledge

NM_001128840.3(CACNA1D):c.1789G>A (p.Gly597Ser)

Gene: CACNA1D (calcium voltage-gated channel subunit alpha1 D; plus strand). Cytogenetic location: 3p21.1.
Variant type: single nucleotide variant.
Coding change: c.1789G>A on transcript NM_001128840.3 (MANE Select); coding-DNA position 1789, G replaced by A.
Protein change: p.Gly597Ser; replaces glycine 597 with serine.
Molecular consequence: missense variant.
Genome position (GRCh38, 1-based): chr3:53,723,556, G>A. VCF-style: chr3-53723556-G-A. GRCh37 (hg19) VCF-style: chr3-53757583-G-A.
Other names: c.1849G>A, p.Gly617Ser (NM_000720.4); c.1789G>A, p.Gly597Ser (NM_001128839.3); short protein forms G597S, G617S.
Identifiers: ClinVar variation 3902961 (VCV003902961.1).